The following is an entry in ClinVar:

ClinVar aggregate classification (germline): Likely benign. Review status: criteria provided, single submitter (1 of 4 stars). 2 submissions from 2 submitters: Likely benign (1). 1 of the submissions does not count toward it. Last evaluated 2026-01-07.

Conditions:
KANK4-related disorder. Also called: KANK4-related condition.

Allele frequency attached by ClinVar (database versions not stated): ESP Exome Variant Server 0.00077; 1000 Genomes Project 0.00140; 1000 Genomes Project 30x 0.00156.
gnomAD v4.1: 2,524 of 1,613,634 alleles (0.16%); highest among the groups gnomAD compares: East Asian, 0.37%; 3 homozygotes.

Submissions (2):

Labcorp Genetics (formerly Invitae), Labcorp
Classification: Likely benign. Last evaluated: 2026-01-07. Review status: criteria provided, single submitter. Criteria: Invitae Variant Classification Sherloc (09022015). Collection method: clinical testing. Allele origin: germline.

PreventionGenetics, part of Exact Sciences
Classification: Likely benign for KANK4-related condition. Last evaluated: 2021-04-28. Review status: no assertion criteria provided. Collection method: clinical testing. Allele origin: germline. Not counted in ClinVar's aggregate classification.
Comment: This variant is classified as likely benign based on ACMG/AMP sequence variant interpretation guidelines (Richards et al. 2015 PMID: 25741868, with internal and published modifications).

NM_181712.5(KANK4):c.2891G>A (p.Arg964His)

Gene: KANK4 (KN motif and ankyrin repeat domains 4; minus strand). Cytogenetic location: 1p31.3.
Variant type: single nucleotide variant.
Coding change: c.2891G>A on transcript NM_181712.5 (MANE Select); coding-DNA position 2891, G replaced by A.
Protein change: p.Arg964His; replaces arginine 964 with histidine.
Molecular consequence: missense variant.
Genome position (GRCh38, 1-based): chr1:62,238,374, C>T on the plus strand (G>A on the coding strand, the complement: KANK4 is on the minus strand). VCF-style: chr1-62238374-C-T. GRCh37 (hg19) VCF-style: chr1-62704046-C-T.
Other names: c.2891G>A (NM_181712.4); c.1007G>A, p.Arg336His (NM_001320269.2); short protein forms R336H, R964H.
Identifiers: ClinVar variation 1583742 (VCV001583742.10), dbSNP rs151055866, ClinGen allele CA883946.